The following is an entry in ClinVar:

ClinVar aggregate classification (germline): Conflicting classifications of pathogenicity. Review status: criteria provided, conflicting classifications (1 of 4 stars). 8 submissions from 7 submitters: Uncertain significance (7); Likely benign (1). Last evaluated 2026-01-12.

Conditions:
Cardiovascular phenotype. Identifiers: MedGen CN230736.
Hereditary cancer-predisposing syndrome. Also called: Tumor predisposition; Hereditary Cancer Syndrome; Hereditary neoplastic syndrome; Neoplastic Syndromes, Hereditary. Identifiers: Orphanet 140162, MedGen C0027672, MeSH D009386, MONDO:0015356.
Neurofibromatosis, type 1 (NF1). Also called: VON RECKLINGHAUSEN DISEASE; NEUROFIBROMATOSIS, TYPE I, SOMATIC; Peripheral type neurofibromatosis; Neurofibromatosis, type I. Identifiers: Orphanet 636, MedGen C0027831, MONDO:0018975, OMIM 162200. Disease mechanism: loss of function.

gnomAD v4.1: 5 of 1,612,048 alleles (0.00031%); highest among the groups gnomAD compares: Non-Finnish European, 0.00042%; no homozygotes.

Submissions (8):

Labcorp Genetics (formerly Invitae), Labcorp
Classification: Likely benign for Neurofibromatosis, type 1. Last evaluated: 2026-01-12. Review status: criteria provided, single submitter. Criteria: Invitae Variant Classification Sherloc (09022015). Collection method: clinical testing. Allele origin: germline.

GeneDx
Classification: Uncertain significance. Last evaluated: 2023-04-20. Review status: criteria provided, single submitter. Criteria: GeneDx Variant Classification Process June 2021. Collection method: clinical testing. Allele origin: germline. Affected: yes.
Comment: Not observed at significant frequency in large population cohorts (gnomAD); In silico analysis supports that this missense variant has a deleterious effect on protein structure/function; Has not been previously published as pathogenic or benign to our knowledge; This variant is associated with the following publications: (PMID: 25486365)

Ambry Genetics
Classification: Uncertain significance for Cardiovascular phenotype; Hereditary cancer-predisposing syndrome. Last evaluated: 2022-08-29. Review status: criteria provided, single submitter. Criteria: Ambry Variant Classification Scheme 2023. Collection method: clinical testing. Allele origin: germline.

Genome-Nilou Lab
Classification: Uncertain significance for Neurofibromatosis, type 1. Last evaluated: 2022-03-15. Review status: criteria provided, single submitter. Criteria: ACMG Guidelines, 2015. Collection method: clinical testing. Allele origin: germline. Affected: no.

Greenwood Genetic Center Diagnostic Laboratories, Greenwood Genetic Center
Classification: Uncertain significance. Last evaluated: 2022-02-16. Review status: criteria provided, single submitter. Criteria: ACMG Guidelines, 2015. Collection method: clinical testing. Allele origin: germline. Affected: yes.
Comment: PM2, PP3

Genetic Services Laboratory, University of Chicago
Classification: Uncertain significance. Last evaluated: 2019-05-01. Review status: criteria provided, single submitter. Criteria: ACMG Guidelines, 2015. Collection method: clinical testing. Allele origin: germline. Affected: no.

PreventionGenetics, part of Exact Sciences
Classification: Uncertain significance. Last evaluated: 2017-08-11. Review status: criteria provided, single submitter. Criteria: ACMG Guidelines, 2015. Collection method: clinical testing. Allele origin: germline.

Ambry Genetics
Classification: Uncertain significance for Hereditary cancer-predisposing syndrome. Last evaluated: 2016-01-25. Review status: criteria provided, single submitter. Criteria: Ambry Autosomal Dominant and X-Linked criteria (10/2015). Collection method: clinical testing. Allele origin: germline. Observed: 1 variant allele.
Comment: The p.P2655S variant (also known as c.7963C>T), located in coding exon 54 of the NF1 gene, results from a C to T substitution at nucleotide position 7963. The proline at codon 2655 is replaced by serine, an amino acid with similar properties. This variant was not reported in population based cohorts in the following databases: Database of Single Nucleotide Polymorphisms (dbSNP), NHLBI Exome Sequencing Project (ESP), and 1000 Genomes Project. In the ESP, this variant was not observed in 6503 samples (13006 alleles) with coverage at this position. To date, this alteration has been detected with an allele frequency of approximately 0.001% (greater than 110000alleles tested) in our clinical cohort.This amino acid position is highly conserved in available vertebrate species.In addition, the in silico prediction for this alteration is inconclusive.Since supporting evidence is limited at this time, the clinical significance of this alterationremains unclear.

NM_001042492.3(NF1):c.7963C>T (p.Pro2655Ser)

Gene: NF1 (neurofibromin 1; plus strand). Cytogenetic location: 17q11.2.
Variant type: single nucleotide variant.
Coding change: c.7963C>T on transcript NM_001042492.3 (MANE Select); coding-DNA position 7963, C replaced by T.
Protein change: p.Pro2655Ser; replaces proline 2655 with serine.
Molecular consequence: missense variant.
Genome position (GRCh38, 1-based): chr17:31,357,362, C>T. VCF-style: chr17-31357362-C-T. GRCh37 (hg19) VCF-style: chr17-29684380-C-T.
Other names: c.7900C>T, p.Pro2634Ser (NM_000267.4); short protein forms P2634S, P2655S.
Identifiers: ClinVar variation 237601 (VCV000237601.20), dbSNP rs587781791, ClinGen allele CA10583529.